The following is an entry in ClinVar:

ClinVar aggregate classification (germline): Uncertain significance (1 of 4 stars; one submission).

Allele frequency attached by ClinVar (database versions not stated): gnomAD 0.00001.

Submission:

Labcorp Genetics (formerly Invitae), Labcorp
Classification: Uncertain significance. Last evaluated: 2023-05-15. Review status: criteria provided, single submitter. Criteria: Invitae Variant Classification Sherloc (09022015). Collection method: clinical testing. Allele origin: germline.
Comment: In summary, the available evidence is currently insufficient to determine the role of this variant in disease. Therefore, it has been classified as a Variant of Uncertain Significance. Experimental studies and prediction algorithms are not available or were not evaluated, and the functional significance of this variant is currently unknown. This variant has not been reported in the literature in individuals affected with ERCC6L2-related conditions. This variant is not present in population databases (gnomAD no frequency). This sequence change replaces proline, which is neutral and non-polar, with glutamine, which is neutral and polar, at codon 1471 of the ERCC6L2 protein (p.Pro1471Gln).

NM_020207.7(ERCC6L2):c.4379C>A (p.Pro1460Gln)

Gene: ERCC6L2 (ERCC excision repair 6 like 2; plus strand). Cytogenetic location: 9q22.32.
Variant type: single nucleotide variant.
Coding change: c.4379C>A on transcript NM_020207.7 (MANE Select); coding-DNA position 4379, C replaced by A.
Protein change: p.Pro1460Gln; replaces proline 1460 with glutamine.
Molecular consequence: missense variant. On other transcripts: non-coding transcript variant (1), intron variant (2).
Genome position (GRCh38, 1-based): chr9:96,012,929, C>A. VCF-style: chr9-96012929-C-A. GRCh37 (hg19) VCF-style: chr9-98775211-C-A.
Other names: c.3674+8228C>A (NM_001375291.1, NM_001375292.1); short protein forms P1460Q.
Identifiers: ClinVar variation 3011910 (VCV003011910.3), dbSNP rs1834083429, ClinGen allele CA466123379.